The following is an entry in ClinVar:

NM_000059.4(BRCA2):c.2176G>T (p.Val726Phe)

Gene: BRCA2 (BRCA2 DNA repair associated; plus strand). Cytogenetic location: 13q13.1.
Variant type: single nucleotide variant.
Coding change: c.2176G>T on transcript NM_000059.4 (MANE Select); coding-DNA position 2176, G replaced by T.
Protein change: p.Val726Phe; replaces valine 726 with phenylalanine.
Molecular consequence: missense variant. On other transcripts: non-coding transcript variant (1), intron variant (2).
Genome position (GRCh38, 1-based): chr13:32,336,531, G>T. VCF-style: chr13-32336531-G-T. GRCh37 (hg19) VCF-style: chr13-32910668-G-T.
Other names: c.2176G>T, p.Val726Phe (NM_001406719.1, NM_001406720.1, NM_001432077.1); c.1909+3144G>T (NM_001406721.1); c.424+5501G>T (NM_001406722.1); short protein forms V726F.
Identifiers: ClinVar variation 3992777 (VCV003992777.1).

ClinVar aggregate classification (germline): Uncertain significance (1 of 4 stars; one submission).

Conditions:
Hereditary cancer-predisposing syndrome. Also called: Tumor predisposition; Hereditary neoplastic syndrome; Neoplastic Syndromes, Hereditary; Hereditary Cancer Syndrome. Identifiers: Orphanet 140162, MedGen C0027672, MeSH D009386, MONDO:0015356.

Submission:

Ambry Genetics
Classification: Uncertain significance for Hereditary cancer-predisposing syndrome. Last evaluated: 2025-04-13. Review status: criteria provided, single submitter. Criteria: Ambry Variant Classification Scheme 2023. Collection method: clinical testing. Allele origin: germline.
Comment: The p.V726F variant (also known as c.2176G>T), located in coding exon 10 of the BRCA2 gene, results from a G to T substitution at nucleotide position 2176. The valine at codon 726 is replaced by phenylalanine, an amino acid with highly similar properties. This amino acid position is well conserved in available vertebrate species. In addition, the in silico prediction for this alteration is inconclusive. Based on the available evidence, the clinical significance of this variant remains unclear.